The following is an entry in ClinVar:

ClinVar aggregate classification (germline): Likely benign (1 of 4 stars; one submission).

Submission:

Women's Health and Genetics/Laboratory Corporation of America, LabCorp
Classification: Likely benign. Last evaluated: 2026-03-25. Review status: criteria provided, single submitter. Criteria: LabCorp Variant Classification Summary - May 2015. Collection method: clinical testing. Allele origin: germline.
Comment: Variant summary: CAMK2A c.900+14dupA alters a non-conserved nucleotide located at a position not widely known to affect splicing. Consensus agreement among computation tools predict no significant impact on normal splicing. However, these predictions have yet to be confirmed by functional studies. The variant was absent in 249240 control chromosomes. The available data on variant occurrences in the general population are insufficient to allow any conclusion about variant significance. To our knowledge, no occurrence of c.900+14dupA in individuals affected with CAMK2A-related conditions and no experimental evidence demonstrating its impact on protein function have been reported. No submitters have cited clinical-significance assessments for this variant to ClinVar. Based on the evidence outlined above, the variant was classified as likely benign.

NM_015981.4(CAMK2A):c.900+14dup

Gene: CAMK2A (calcium/calmodulin dependent protein kinase II alpha; minus strand). Cytogenetic location: 5q32.
Variant type: Duplication.
Coding change: c.900+14dup on transcript NM_015981.4 (MANE Select); 14 bases into the intron after coding-DNA position 900, one base duplicated (A; older notation c.900+14dupA).
Molecular consequence: intron variant.
Genome position (GRCh38, 1-based): chr5:150,250,212, T duplicated on the plus strand (A on the coding strand, the reverse complement: CAMK2A is on the minus strand). VCF-style (leftmost placement, unchanged base first): chr5-150250211-G-GT. GRCh37 (hg19) VCF-style: chr5-149629774-G-GT.
Other names: c.900+14dupA (NM_015981.4); c.900+14dup (NM_001363990.1, NM_001363989.1, NM_171825.3 and 1 more transcripts).
Identifiers: ClinVar variation 4847691 (VCV004847691.1).